The following is an entry in ClinVar:

NM_018127.7(ELAC2):c.297-2_297-1delinsT

Gene: ELAC2 (elaC ribonuclease Z 2; minus strand). Cytogenetic location: 17p12.
Variant type: Indel.
Coding change: c.297-2_297-1delinsT on transcript NM_018127.7 (MANE Select); the canonical splice acceptor site of the intron before coding-DNA position 297, AG replaced by T.
Molecular consequence: splice acceptor variant.
Genome position (GRCh38, 1-based): chr17:13,016,933-13,016,934, CT replaced by A on the plus strand (AG replaced by T on the coding strand, the reverse complement: ELAC2 is on the minus strand). VCF-style: chr17-13016933-CT-A. GRCh37 (hg19) VCF-style: chr17-12920250-CT-A.
Other names: c.297-2_297-1delinsT (NM_001165962.2, NM_173717.2).
Identifiers: ClinVar variation 408861 (VCV000408861.9), dbSNP rs1060502161, ClinGen allele CA16615102.

ClinVar aggregate classification (germline): Pathogenic/Likely pathogenic. Review status: criteria provided, multiple submitters, no conflicts (2 of 4 stars). 3 submissions from 3 submitters: Pathogenic (2); Likely pathogenic (1). Last evaluated 2026-01-21.

Conditions:
Inborn genetic diseases. Identifiers: MedGen C0950123, MeSH D030342.
Combined oxidative phosphorylation defect type 17. Also called: Combined oxidative phosphorylation deficiency 17. Identifiers: Orphanet 369913, MedGen C3809526, MONDO:0014190, OMIM 615440.

Submissions (3):

Labcorp Genetics (formerly Invitae), Labcorp
Classification: Pathogenic for Combined oxidative phosphorylation defect type 17. Last evaluated: 2026-01-21. Review status: criteria provided, single submitter. Criteria: Invitae Variant Classification Sherloc (09022015). Collection method: clinical testing. Allele origin: germline.
Comment: This sequence change affects an acceptor splice site in intron 2 of the ELAC2 gene. It is expected to disrupt RNA splicing. Variants that disrupt the donor or acceptor splice site typically lead to a loss of protein function (PMID: 16199547), and loss-of-function variants in ELAC2 are known to be pathogenic (PMID: 27769300, 31045291). Information on the frequency of this variant in the gnomAD database is not available, as this variant may be reported differently in the database. Disruption of this splice site has been observed in individuals with ELAC2-related conditions (PMID: 27312126, 31045291). This variant is also known as c.297–2_297delinsTG. For these reasons, this variant has been classified as Pathogenic.

GeneDx
Classification: Pathogenic. Last evaluated: 2024-09-05. Review status: criteria provided, single submitter. Criteria: GeneDx Variant Classification Process June 2021. Collection method: clinical testing. Allele origin: germline. Affected: yes.
Comment: Canonical splice site variant predicted to result in a null allele in a gene for which loss-of-function is a known mechanism of disease; Not observed at a significant frequency in large population cohorts (gnomAD); This variant is associated with the following publications: (PMID: 27312126, 31045291, 34052969)

Ambry Genetics
Classification: Likely pathogenic for Inborn genetic diseases. Last evaluated: 2023-09-27. Review status: criteria provided, single submitter. Criteria: Ambry Variant Classification Scheme 2023. Collection method: clinical testing. Allele origin: germline.
Comment: The c.297-2_297-1delAGinsT variant results from a deletion of two nucleotides and insertion of one nucleotide at positions c.297-2 to c.297-1 and involves the canonical splice acceptor site before coding exon 3 of the ELAC2 gene. Alterations that disrupt the canonical splice site are expected to cause aberrant splicing, resulting in an abnormal protein or a transcript that is subject to nonsense-mediated mRNA decay. Based on data from gnomAD, the c.297-2_297-1delAGinsT allele has an overall frequency of 0.002% (6/282820) total alleles studied. The highest observed frequency was 0.004% (6/129166) of non-Finnish European alleles. This variant has been reported in two individuals with cardiomyopathy and complex I deficiency in conjunction with a second ELAC2 alteration (Saoura, 2019). This variant was also detected in conjunction with a second ELAC2 alteration in an ataxia cohort; however, clinical information was limited and phase was not provided (Martin-Saavedra, 2022). In silico splice site analysis predicts that this alteration will result in the creation or strengthening of a novel splice acceptor site. Based on the available evidence, this alteration is classified as likely pathogenic.

Literature cited by the submitters: PubMed 16199547 (cited by Labcorp Genetics (formerly Invitae), Labcorp); PubMed 27769300 (cited by Labcorp Genetics (formerly Invitae), Labcorp); PubMed 31045291 (cited by Labcorp Genetics (formerly Invitae), Labcorp and Ambry Genetics); PubMed 27312126 (cited by Labcorp Genetics (formerly Invitae), Labcorp and Ambry Genetics); PubMed 34052969 (cited by Ambry Genetics).